The following is an entry in ClinVar:

ClinVar aggregate classification (germline): Benign. Review status: criteria provided, single submitter (1 of 4 stars). 2 submissions from 2 submitters: Benign (1). 1 of the submissions does not count toward it. Last evaluated 2025-08-29.

Conditions:
SSR4-related disorder. Also called: SSR4-related condition.

Allele frequency attached by ClinVar (database versions not stated): gnomAD 0.00010 and 0.00011; TOPMed 0.00006; gnomAD exomes 0.00009 and 0.00019; ExAC 0.00023.
gnomAD v4.1: 105 of 1,211,294 alleles (0.0087%); highest among the groups gnomAD compares: South Asian, 0.12%; no homozygotes.

Submissions (2):

Labcorp Genetics (formerly Invitae), Labcorp
Classification: Benign. Last evaluated: 2025-08-29. Review status: criteria provided, single submitter. Criteria: Invitae Variant Classification Sherloc (09022015). Collection method: clinical testing. Allele origin: germline.

PreventionGenetics, part of Exact Sciences
Classification: Likely benign for SSR4-related condition. Last evaluated: 2019-06-11. Review status: no assertion criteria provided. Collection method: clinical testing. Allele origin: germline. Not counted in ClinVar's aggregate classification.
Comment: This variant is classified as likely benign based on ACMG/AMP sequence variant interpretation guidelines (Richards et al. 2015 PMID: 25741868, with internal and published modifications).

NM_001204526.2(SSR4):c.20-7C>T

Gene: SSR4 (signal sequence receptor subunit 4; plus strand). Cytogenetic location: Xq28.
Variant type: single nucleotide variant.
Coding change: c.20-7C>T on transcript NM_001204526.2; 7 bases into the intron before coding-DNA position 20, C replaced by T.
Molecular consequence: intron variant.
Genome position (GRCh38, 1-based): chrX:153,794,667, C>T. VCF-style: chrX-153794667-C-T. GRCh37 (hg19) VCF-style: chrX-153060122-C-T.
Other names: c.-14-7C>T (NM_001440796.1); c.68-7C>T (NM_001440795.1); c.11-7C>T (NM_001204527.2).
Identifiers: ClinVar variation 744313 (VCV000744313.13), dbSNP rs782061175, ClinGen allele CA10553204.